The following is an entry in ClinVar:

NM_007294.4(BRCA1):c.5236C>G (p.His1746Asp)

Gene: BRCA1 (BRCA1 DNA repair associated; minus strand). Cytogenetic location: 17q21.31.
Variant type: single nucleotide variant.
Coding change: c.5236C>G on transcript NM_007294.4 (MANE Select); coding-DNA position 5236, C replaced by G.
Protein change: p.His1746Asp; replaces histidine 1746 with aspartic acid.
Molecular consequence: missense variant. On other transcripts: non-coding transcript variant (1).
Genome position (GRCh38, 1-based): chr17:43,057,093, G>C on the plus strand (C>G on the coding strand, the complement: BRCA1 is on the minus strand). VCF-style: chr17-43057093-G-C. GRCh37 (hg19) VCF-style: chr17-41209110-G-C.
Other names: NM_007294.4(BRCA1):c.5236C>G; p.His1746Asp; c.5023C>G, p.His1675Asp (NM_001407571.1, NM_001407907.1, NM_001407908.1 and 12 more transcripts); c.5302C>G, p.His1768Asp (NM_001407581.1, NM_001407582.1); c.5299C>G, p.His1767Asp (NM_001407583.1, NM_001407585.1, NM_001407587.1 and 1 more transcripts); c.5296C>G, p.His1766Asp (NM_001407590.1, NM_001407591.1); c.5236C>G, p.His1746Asp (NM_001407593.1, NM_001407594.1, NM_001407854.1 and 7 more transcripts); c.5233C>G, p.His1745Asp (NM_001407614.1, NM_001407615.1, NM_001407616.1 and 17 more transcripts); and 74 more; short protein forms H1746D, H1699D, H642D, H1767D, H1619D, H1633D, H1635D, H1658D.
Identifiers: ClinVar variation 531399 (VCV000531399.20), dbSNP rs80357146, ClinGen allele CA10591069.
Genomic context (GRCh38, chr17:43,057,093, plus strand): 5'-TTGAGGGAGGGAGCTTTACCTTTCTGTCCTGGGATTCTCTTGCTCGCTTTGGACCTTGGT[G>C]GTTTCTTCCATTGACCACATCTCCTCTGACTTCAAAATCATGCTGAAAGAAACCAAACAC-3'
Protein context (NP_009225.1, residues 1736-1756): VRGDVVNGRN[His1746Asp]QGPKRARESQ

ClinVar aggregate classification (germline): Likely pathogenic. Review status: reviewed by expert panel (3 of 4 stars). 6 submissions from 6 submitters: Likely pathogenic (1). 5 of the submissions do not count toward it. Last evaluated 2025-08-18.

Conditions:
Hereditary cancer-predisposing syndrome. Also called: Tumor predisposition; Hereditary Cancer Syndrome; Hereditary neoplastic syndrome; Neoplastic Syndromes, Hereditary. Identifiers: Orphanet 140162, MedGen C0027672, MeSH D009386, MONDO:0015356.
Hereditary breast ovarian cancer syndrome. Also called: Breast and ovarian cancer; Hereditary breast and/or ovarian cancer syndrome; BRCA1- and BRCA2-Associated Hereditary Breast and Ovarian Cancer; Hereditary breast and ovarian cancer syndrome; Hereditary breast and ovarian cancer syndrome (HBOC); Hereditary breast and ovarian cancer. Identifiers: Orphanet 145, MedGen C0677776, MeSH D061325, MONDO:0003582. Disease mechanism: loss of function.
BRCA1-related cancer predisposition. Identifiers: MedGen CN377757, MONDO:0700268.
BRCA1-related disorder. Also called: BRCA1-related condition.

Submissions (7):

ClinGen ENIGMA BRCA1 and BRCA2 Variant Curation Expert Panel, ClinGen
Classification: Likely pathogenic for BRCA1-related cancer predisposition. Last evaluated: 2025-08-18. Review status: reviewed by expert panel. Criteria: CSpec BRCA1/2ACMG Rules Specifications V1.2. Collection method: curation. Allele origin: germline. Inheritance: Autosomal dominant inheritance.
Comment: The c.5236C>G variant in BRCA1 is a missense variant predicted to cause substitution of Histidine by Aspartic Acid at amino acid 1746 (p.(His1746Asp)). This variant is absent from gnomAD v2.1 (exomes only, non-cancer subset, read depth ≥25) and gnomAD v3.1 (non-cancer subset, read depth ≥25) (PM2_Supporting met). Reported by three calibrated studies to exhibit protein function similar to pathogenic control variants (PMIDs:30209399, 38709234, 35196514) (PS3 met). This BRCA1 missense variant is within a key functional domain and the computational predictor BayesDel (noAF) gives a score of 0.37, above the recommended threshold of 0.28 for prediction of impact on BRCA1 function via protein change. A SpliceAI score of 0 predicts no impact on splicing (score threshold <0.10) (PP3 met). In summary, this variant meets the criteria to be classified as a Likely pathogenic variant for BRCA1-related cancer predisposition based on the ACMG/AMP criteria applied as specified by the ENIGMA BRCA1/2 VCEP (PM2_Supporting, PS3, PP3).

Ambry Genetics
Classification: Likely pathogenic for Hereditary cancer-predisposing syndrome. Last evaluated: 2024-12-02. Review status: criteria provided, single submitter. Criteria: Ambry Variant Classification Scheme 2023. Collection method: clinical testing. Allele origin: germline. Not counted in ClinVar's aggregate classification.
Comment: The p.H1746D variant (also known as c.5236C>G), located in coding exon 18 of the BRCA1 gene, results from a C to G substitution at nucleotide position 5236. The histidine at codon 1746 is replaced by aspartic acid, an amino acid with similar properties. This variant has been reported in an individual diagnosed with ovarian cancer and in a cohort of Chinese individuals who underwent multi-gene panel testing for HBOC risk assessment (Gleicher N et al. PLoS One, 2014 Jul;9:e102370; Shao D et al. Cancer Sci, 2020 Feb;111:647-657). One functional study found that this nucleotide substitution is deleterious in a high throughput genome editing haploid cell survival assay (Findlay GM et al. Nature, 2018 10;562:217-222). A transcriptional activation assay found that this variant had <80% activity relative to wildtype and was, thus, considered deleterious (Fernandes VC et al. J Biol Chem, 2019 04;294:5980-5992). This variant was also reported as non-functional in a homology directed repair assay, but functional in an assay of cisplatin resistance (Adamovich AI et al. Am J Hum Genet. 2022 Apr;109(4):618-630). Based on internal structural analysis, this variant is anticipated to result in a decrease in structural stability (Ambry internal data; Wu Q et al. Mol Cell, 2016 Feb;61:434-448). This amino acid position is highly conserved in available vertebrate species. In addition, this alteration is predicted to be deleterious by in silico analysis. This variant is considered to be rare based on population cohorts in the Genome Aggregation Database (gnomAD). Based on the majority of available evidence to date, this variant is likely to be pathogenic.

PreventionGenetics, part of Exact Sciences
Classification: Likely pathogenic for BRCA1-related condition. Last evaluated: 2024-10-29. Review status: criteria provided, single submitter. Criteria: ACMG Guidelines, 2015. Collection method: clinical testing. Allele origin: germline. Not counted in ClinVar's aggregate classification.
Comment: The BRCA1 c.5236C>G variant is predicted to result in the amino acid substitution p.His1746Asp. This variant has been reported in individuals with a history of ovarian cancer (Table 3, Gleicher et al. 2014. PubMed ID: 25036526), and was reported in a cohort of Chinese individuals who underwent testing for high risk hereditary breast and ovarian cancer risk assessment (Table S2, Shao et al. 2019. PubMed ID: 31742824). Functional studies indicate this variant reduces BRCA1-BACH1 binding (Joo et al. 2002. PubMed ID: 11877378). Additional functional studies demonstrated that this variant had a loss of function effect on protein function (Supplemental Table 1, Findlay et al. 2018. PubMed ID: 30209399), and another study showed that this variant demonstrated markedly reduced reporter transcription activation function relative to wild type in vitro and was considered deleterious (Table S2, Fernandes et al. 2019. PubMed ID: 30765603). To our knowledge, this variant has not been reported in a large population database, indicating this variant is rare. This variant has conflicting interpretations regarding its pathogenicity in ClinVar, ranging from uncertain to likely pathogenic. This variant is interpreted as likely pathogenic.

Labcorp Genetics (formerly Invitae), Labcorp
Classification: Uncertain significance for Hereditary breast ovarian cancer syndrome. Last evaluated: 2024-09-28. Review status: criteria provided, single submitter. Criteria: Invitae Variant Classification Sherloc (09022015). Collection method: clinical testing. Allele origin: germline. Not counted in ClinVar's aggregate classification.
Comment: This sequence change replaces histidine, which is basic and polar, with aspartic acid, which is acidic and polar, at codon 1746 of the BRCA1 protein (p.His1746Asp). This variant is not present in population databases (gnomAD no frequency). This missense change has been observed in individual(s) with ovarian cancer (PMID: 25036526). ClinVar contains an entry for this variant (Variation ID: 531399). Invitae Evidence Modeling incorporating data from in vitro experimental studies (PMID: 30209399) indicates that this missense variant is expected to disrupt BRCA1 function with a positive predictive value of 95%. Experimental studies have shown that this missense change affects BRCA1 function (PMID: 11877378, 30209399, 30765603). In summary, the available evidence is currently insufficient to determine the role of this variant in disease. Therefore, it has been classified as a Variant of Uncertain Significance.

German Consortium for Hereditary Breast and Ovarian Cancer, University Hospital Cologne
Classification: Likely pathogenic for Hereditary breast ovarian cancer syndrome. Last evaluated: 2023-11-14. Review status: criteria provided, single submitter. Criteria: ClinGen BRCA1 V1.0.0. Collection method: curation. Allele origin: germline. Not counted in ClinVar's aggregate classification.
Comment: PS3, PM2_sup, PP3. According to the ClinGen ENIGMA BRCA1 v1.0.0 criteria we chose these criteria: PS3 (strong pathogenic): PS3_strong:Table 9: Reported by two calibrated studies to affect protein function similar to pathogenic control variants (PMIDs:30209399, Findlay, 30765603, Fernandes), PM2 (supporting pathogenic): Absent from gnomAD PM2_supp, PP3 (supporting pathogenic): BayesDel noAF score 0.3731

Quest Diagnostics Nichols Institute San Juan Capistrano
Classification: Uncertain significance. Last evaluated: 2022-10-21. Review status: criteria provided, single submitter. Criteria: Quest Diagnostics criteria. Collection method: clinical testing. Allele origin: unknown. Not counted in ClinVar's aggregate classification.
Comment: It has not been reported in large, multi-ethnic general populations. In the published literature, the variant has been reported in an individual with ovarian cancer (PMID: 25036526 (2014)). Functional studies are supportive of a damaging effect on protein function (PMIDs: 30765603 (2019), 30209399 (2018), 11877378 (2002)), however additional studies are needed to determine the global effect of this variant on BRCA1 protein function. Analysis of this variant using bioinformatics tools for the prediction of the effect of amino acid changes on protein structure and function yielded predictions that this variant is damaging. Based on the available information, we are unable to determine the clinical significance of this variant.

Brotman Baty Institute, University of Washington
No classification provided (evidence only). Condition: Breast-ovarian cancer, familial 1. Review status: no classification provided. Collection method: in vitro. Allele origin: not applicable. Functional consequence: functionally_abnormal. Not counted in ClinVar's aggregate classification.
ClinVar note: "not provided" was previously submitted as the classification for the variant. However, the classification appeared to be based only on an observation of functional data so it was converted to no classification on 2025-07-30.

Literature cited by the submitters: PubMed 11877378 (cited by 3 submitters); PubMed 25036526 (cited by 3 submitters); PubMed 26778126 (cited by Ambry Genetics); PubMed 30209399 (cited by 3 submitters); PubMed 30765603 (cited by 3 submitters); PubMed 31742824 (cited by Ambry Genetics); PubMed 35196514 (cited by Ambry Genetics).